The following is an entry in ClinVar:

ClinVar aggregate classification (germline): Uncertain significance. Review status: criteria provided, multiple submitters, no conflicts (2 of 4 stars). 2 submissions from 2 submitters: Uncertain significance (2). Last evaluated 2025-09-16.

Allele frequency attached by ClinVar (database versions not stated): ESP Exome Variant Server 0.00023; ExAC 0.00036; gnomAD exomes 0.00019; TOPMed 0.00015; gnomAD 0.00019.
gnomAD v4.1: 298 of 1,570,266 alleles (0.019%); highest among the groups gnomAD compares: Non-Finnish European, 0.024%; 1 homozygote.

Submissions (2):

Labcorp Genetics (formerly Invitae), Labcorp
Classification: Uncertain significance. Last evaluated: 2025-09-16. Review status: criteria provided, single submitter. Criteria: Invitae Variant Classification Sherloc (09022015). Collection method: clinical testing. Allele origin: germline.
Comment: This sequence change replaces alanine, which is neutral and non-polar, with threonine, which is neutral and polar, at codon 760 of the DGKZ protein (p.Ala760Thr). This variant is present in population databases (rs375247412, gnomAD 0.04%). This variant has not been reported in the literature in individuals affected with DGKZ-related conditions. ClinVar contains an entry for this variant (Variation ID: 2740720). An algorithm developed to predict the effect of missense changes on protein structure and function (PolyPhen-2) suggests that this variant is likely to be tolerated. In summary, the available evidence is currently insufficient to determine the role of this variant in disease. Therefore, it has been classified as a Variant of Uncertain Significance.

Ambry Genetics
Classification: Uncertain significance. Last evaluated: 2024-03-31. Review status: criteria provided, single submitter. Criteria: Ambry Variant Classification Scheme 2023. Collection method: clinical testing. Allele origin: germline.

NM_001199267.2(DGKZ):c.1711G>A (p.Ala571Thr)

Gene: DGKZ (diacylglycerol kinase zeta; plus strand). Cytogenetic location: 11p11.2.
Variant type: single nucleotide variant.
Coding change: c.1711G>A on transcript NM_001199267.2 (MANE Select); coding-DNA position 1711, G replaced by A.
Protein change: p.Ala571Thr; replaces alanine 571 with threonine.
Molecular consequence: missense variant.
Genome position (GRCh38, 1-based): chr11:46,375,435, G>A. VCF-style: chr11-46375435-G-A. GRCh37 (hg19) VCF-style: chr11-46396985-G-A.
Other names: c.1714G>A, p.Ala572Thr (NM_001199266.2, NM_003646.4); c.1645G>A, p.Ala549Thr (NM_001199268.2); c.1762G>A, p.Ala588Thr (NM_201532.3); c.1726G>A, p.Ala576Thr (NM_201533.3); c.2278G>A, p.Ala760Thr (NM_001105540.2); c.2278G>A (NM_001105540.1); short protein forms A571T, A760T, A549T, A576T, A572T, A588T.
Identifiers: ClinVar variation 2740720 (VCV002740720.4), dbSNP rs375247412, ClinGen allele CA5962953.
Genomic context (GRCh38, chr11:46,375,435, plus strand): 5'-GGGACCCCCCTGCCCCCAGCCCTGGTGCCATCTGACCCAAGCTTCCTGTGCCCACAGGCC[G>A]CGCTGCAGGTGGGCGGACACGGCGAGCGGCTGACGCAGTGTCGCGAGGTGGTGCTCACCA-3'
Protein context (NP_001186196.1, residues 561-581): VIGFTMTSLA[Ala571Thr]LQVGGHGERL